The following is an entry in ClinVar:

ClinVar aggregate classification (germline): Uncertain significance (1 of 4 stars; one submission).

Conditions:
Early-infantile DEE. Also called: Ohtahara syndrome; Early infantile epileptic encephalopathy with suppression bursts; Early infantile epileptic encephalopathy. Identifiers: Orphanet 1934, MedGen C0393706, MONDO:0800491.

Allele frequency attached by ClinVar (database versions not stated): gnomAD 0.00001; TOPMed below 0.00001.
gnomAD v4.1: 1 of 150,282 alleles (0.00067%); highest among the groups gnomAD compares: Non-Finnish European, 0.0015%; no homozygotes.

Submission:

Labcorp Genetics (formerly Invitae), Labcorp
Classification: Uncertain significance for Early-infantile DEE. Last evaluated: 2024-05-15. Review status: criteria provided, single submitter. Criteria: Invitae Variant Classification Sherloc (09022015). Collection method: clinical testing. Allele origin: germline.
Comment: This sequence change falls in intron 20 of the SCN1A gene. It does not directly change the encoded amino acid sequence of the SCN1A protein. However, this sequence change falls within a region encompassing a cryptic exon in the SCN1A gene, in which variants have been shown to alter splicing (PMID: 30526861, 34107977). This variant is not present in population databases (gnomAD no frequency). This variant has not been reported in the literature in individuals affected with SCN1A-related conditions. ClinVar contains an entry for this variant (Variation ID: 2028920). Algorithms developed to predict the effect of sequence changes on RNA splicing suggest that this variant is not likely to affect RNA splicing. In summary, the available evidence is currently insufficient to determine the role of this variant in disease. Therefore, it has been classified as a Variant of Uncertain Significance.

Literature cited by the submitters: PubMed 30526861; PubMed 34107977.

NM_001165963.4(SCN1A):c.4002+2592G>A

Genes: SCN1A (sodium voltage-gated channel alpha subunit 1; minus strand), LOC102724058 (uncharacterized LOC102724058; plus strand). Cytogenetic location: 2q24.3.
Variant type: single nucleotide variant.
Coding change: c.4002+2592G>A on transcript NM_001165963.4 (MANE Select); 2592 bases into the intron after coding-DNA position 4002, G replaced by A.
Molecular consequence: intron variant.
Genome position (GRCh38, 1-based): chr2:166,007,127, C>T on the plus strand (G>A on the coding strand, the complement: SCN1A is on the minus strand). VCF-style: chr2-166007127-C-T. GRCh37 (hg19) VCF-style: chr2-166863637-C-T.
Other names: c.3969+2592G>A (NM_001353949.2, NM_001353950.2, NM_001353951.2 and 2 more transcripts); c.3918+2592G>A (NM_001353958.2, NM_001353957.2, NM_001165964.3); c.4002+2592G>A (NM_001202435.3, NM_001353948.2); c.3966+2592G>A (NM_001353955.2, NM_001353954.2); c.3915+2592G>A (NM_001353960.2); c.1560+2592G>A (NM_001353961.2).
Identifiers: ClinVar variation 2028920 (VCV002028920.4), dbSNP rs1416999810, ClinGen allele CA760220650.